The following is an entry in ClinVar:

NM_005876.5(SPEG):c.1546T>A (p.Ser516Thr)

Gene: SPEG (striated muscle enriched protein kinase; plus strand). Cytogenetic location: 2q35.
Variant type: single nucleotide variant.
Coding change: c.1546T>A on transcript NM_005876.5 (MANE Select); coding-DNA position 1546, T replaced by A.
Protein change: p.Ser516Thr; replaces serine 516 with threonine.
Molecular consequence: missense variant.
Genome position (GRCh38, 1-based): chr2:219,448,704, T>A. VCF-style: chr2-219448704-T-A. GRCh37 (hg19) VCF-style: chr2-220313426-T-A.
Other names: c.1546T>A (NM_005876.4); short protein forms S516T.
Identifiers: ClinVar variation 1905954 (VCV001905954.7), dbSNP rs1031311432, ClinGen allele CA66004698.

ClinVar aggregate classification (germline): Uncertain significance. Review status: criteria provided, multiple submitters, no conflicts (2 of 4 stars). 3 submissions from 3 submitters: Uncertain significance (3). Last evaluated 2025-02-03.

Conditions:
Inborn genetic diseases. Identifiers: MedGen C0950123, MeSH D030342.
Myopathy, centronuclear, 5 (CNM5). Identifiers: Orphanet 169186, MedGen C4014814, MONDO:0014418, OMIM 615959.

Allele frequency attached by ClinVar (database versions not stated): gnomAD 0.00001; gnomAD exomes 0.00003; TOPMed 0.00003.
gnomAD v4.1: 40 of 1,492,166 alleles (0.0027%); highest among the groups gnomAD compares: East Asian, 0.11%; no homozygotes.

Submissions (3):

Revvity Omics, Revvity
Classification: Uncertain significance for Myopathy, centronuclear, 5. Last evaluated: 2025-02-03. Review status: criteria provided, single submitter. Criteria: ACMG Guidelines, 2015. Collection method: clinical testing. Allele origin: germline.

Ambry Genetics
Classification: Uncertain significance for Inborn genetic diseases. Last evaluated: 2023-12-15. Review status: criteria provided, single submitter. Criteria: Ambry Variant Classification Scheme 2023. Collection method: clinical testing. Allele origin: germline.

Labcorp Genetics (formerly Invitae), Labcorp
Classification: Uncertain significance. Last evaluated: 2022-02-28. Review status: criteria provided, single submitter. Criteria: Invitae Variant Classification Sherloc (09022015). Collection method: clinical testing. Allele origin: germline.
Comment: In summary, the available evidence is currently insufficient to determine the role of this variant in disease. Therefore, it has been classified as a Variant of Uncertain Significance. Algorithms developed to predict the effect of missense changes on protein structure and function are either unavailable or do not agree on the potential impact of this missense change (SIFT: "Tolerated"; PolyPhen-2: "Possibly Damaging"; Align-GVGD: "Class C0"). This variant has not been reported in the literature in individuals affected with SPEG-related conditions. This variant is present in population databases (no rsID available, gnomAD 0.05%). This sequence change replaces serine, which is neutral and polar, with threonine, which is neutral and polar, at codon 516 of the SPEG protein (p.Ser516Thr).